The following is an entry in ClinVar:

ClinVar aggregate classification (germline): Uncertain significance (1 of 4 stars; one submission).

Conditions:
Baller-Gerold syndrome (BGS). Also called: CRANIOSYNOSTOSIS WITH RADIAL DEFECTS. Identifiers: Orphanet 1225, MedGen C0265308, MONDO:0009039, OMIM 218600.

Allele frequency attached by ClinVar (database versions not stated): gnomAD exomes below 0.00001; TOPMed below 0.00001.

Submission:

Labcorp Genetics (formerly Invitae), Labcorp
Classification: Uncertain significance for Baller-Gerold syndrome. Last evaluated: 2022-09-06. Review status: criteria provided, single submitter. Criteria: Invitae Variant Classification Sherloc (09022015). Collection method: clinical testing. Allele origin: germline.
Comment: This variant is not present in population databases (gnomAD no frequency). This sequence change affects codon 1026 of the RECQL4 mRNA. It is a 'silent' change, meaning that it does not change the encoded amino acid sequence of the RECQL4 protein. This variant has not been reported in the literature in individuals affected with RECQL4-related conditions. Experimental studies and prediction algorithms are not available or were not evaluated, and the effect of this variant on mRNA splicing is currently unknown. In summary, the available evidence is currently insufficient to determine the role of this variant in disease. Therefore, it has been classified as a Variant of Uncertain Significance.

NM_004260.4(RECQL4):c.3078G>A (p.Val1026=)

Gene: RECQL4 (RecQ like helicase 4; minus strand). Cytogenetic location: 8q24.3.
Variant type: single nucleotide variant.
Coding change: c.3078G>A on transcript NM_004260.4 (MANE Select); coding-DNA position 3078, G replaced by A.
Protein change: p.Val1026=; no amino-acid change (valine 1026 retained).
Molecular consequence: synonymous variant. On other transcripts: non-coding transcript variant (2).
Genome position (GRCh38, 1-based): chr8:144,512,302, C>T on the plus strand (G>A on the coding strand, the complement: RECQL4 is on the minus strand). VCF-style: chr8-144512302-C-T. GRCh37 (hg19) VCF-style: chr8-145737685-C-T.
Other names: c.2784G>A, p.Val928= (NM_001413017.1); c.2880G>A, p.Val960= (NM_001413018.1); c.3153G>A, p.Val1051= (NM_001413019.1); c.2982G>A, p.Val994= (NM_001413020.1); c.2007G>A, p.Val669= (NM_001413021.1, NM_001413022.1, NM_001413024.1 and 4 more transcripts); c.2082G>A, p.Val694= (NM_001413023.1); c.2949G>A, p.Val983= (NM_001413025.1); c.1941G>A, p.Val647= (NM_001413027.1, NM_001413030.1, NM_001413032.1); and 9 more.
Identifiers: ClinVar variation 1969666 (VCV001969666.5), dbSNP rs1827395655, ClinGen allele CA463565975.
Genomic context (GRCh38, chr8:144,512,302, plus strand): 5'-CTCAGCGGTCAAGTCCCCCGGGCTGCGAAGGTGGAAGGCCAGCTCACTGAACTCCACAAG[C>T]ACCCCTGTCCCACGCCGCACACCTGCCGGAAAGCATGTCAGATGCAGGCAGGCAGCGTCC-3'
Protein context (NP_004251.4, residues 1016-1036): PRTGVRRGTG[Val1026=]LVEFSELAFH